The following continues an entry in ClinVar:

NM_000142.5(FGFR3):c.1620C>G (p.Asn540Lys)

Gene: FGFR3. ClinVar aggregate classification (germline): Pathogenic. Pathogenic (26).

Submissions 8 to 25 of 35:

Variantyx, Inc.
Classification: Pathogenic for Hypochondroplasia. Last evaluated: 2025-06-28. Review status: criteria provided, single submitter. Criteria: Variantyx Assertion Criteria 2022. Collection method: clinical testing. Allele origin: germline. Inheritance: Autosomal dominant inheritance. Affected: yes.
Comment: This is a nonsynonymous variant in the FGFR3 gene (OMIM: 134934). Pathogenic variants in this gene have been associated with autosomal dominant hypochondroplasia. Functional studies have shown that this variant alters FGFR3 protein function (PMID: 19088846, 22045636) (PS3), and multiple computational algorithms predict a deleterious effect for this variant (REVEL score: 0.693) (PP3). An alternate nucleotide substitution resulting in the same amino acid change (c.1620C>A) has been previously reported as pathogenic (PMID: 23165795, 20301650, 9452043) (PS1). This variant has been reported in many unrelated affected individuals (PMID: 8589686, 10360392, 11754059, 17621485, 23149434, 23165795, 25614871) (PS4_Very_Strong) and has a 0.0001% maximum allele frequency in non-founder control populations (PM2).Based on the current evidence, this variant is classified as pathogenic for autosomal dominant hypochondroplasia.

Laboratory of Genetics, Children's Clinical University Hospital Latvia
Classification: Pathogenic. Last evaluated: 2025-02-16. Review status: criteria provided, single submitter. Criteria: ACMG Guidelines, 2015. Collection method: clinical testing. Allele origin: germline. Affected: yes.

Hacettepe Pediatric Genetics Laboratory, Hacettepe University
Classification: Pathogenic for Hypochondroplasia. Last evaluated: 2024-12-24. Review status: criteria provided, single submitter. Criteria: ACMG Guidelines, 2015. Collection method: clinical testing. Allele origin: germline. Inheritance: Autosomal dominant inheritance. Affected: yes. Observed: 1 heterozygote.
Comment: The FGFR3 c.1620C>G variant (p.Asn540Lys) was classified as "pathogenic" according to the ACMG criteria 2019. In summary, the Asn540Lys variant meets our criteria to be classified as pathogenic.

ARUP Laboratories, Molecular Genetics and Genomics, ARUP Laboratories
Classification: Pathogenic. Last evaluated: 2024-09-23. Review status: criteria provided, single submitter. Criteria: ARUP Molecular Germline Variant Investigation Process 2024. Collection method: clinical testing. Allele origin: germline.
Comment: The FGFR3 c.1620C>G; p.Asn540Lys variant (rs28933068) is a recurrent alteration in patients with hypochondroplasia (Camera 2001, Kannu 2007, Korkmaz 2012, Linnankivi 2012, Xue 2014). Another variant at this position, c.1620C>A, also results in the same amino acid alteration (p.Asn540Lys), and is the most common pathogenic variant in hypochondroplasia patients (Xue 2014). Functional characterization of the variant protein indicates increased phosphorylation of ERK1/2, resulting in an over-activation of the MAPK signaling pathway (Krejci 2008). The c.1620C>G; p.Asn540Lys variant is reported in ClinVar (Variation ID: 16338). It is absent from the Genome Aggregation Database, indicating it is not a common polymorphism. Based on available information, the p.Asn540Lys variant is considered to be pathogenic. References: Camera G et al. Occurrence of thanatophoric dysplasia type I (R248C) and hypochondroplasia (N540K) mutations in two patients with achondroplasia phenotype. Am J Med Genet. 2001; 104(4):277-81. PMID: 11754059. Kannu P et al. FGFR3 mutations and medial temporal lobe dysgenesis. J Child Neurol. 2007; 22(2):211-3. PMID: 17621485. Korkmaz HA et al. Hypochondroplasia in a child with 1620C>G (Asn540Lys) mutation in FGFR3. J Clin Res Pediatr Endocrinol. 2012; 4(4):220-2. PMID: 23149434. Krejci P et al. Analysis of STAT1 activation by six FGFR3 mutants associated with skeletal dysplasia undermines dominant role of STAT1 in FGFR3 signaling in cartilage. PLoS One. 2008; 3(12):e3961. PMID: 19088846. Linnankivi T et al. Neuroimaging and neurological findings in patients with hypochondroplasia and FGFR3 N540K mutation. Am J Med Genet A. 2012; 158A(12):3119-25. PMID: 23165795. Xue Y et al. FGFR3 mutation frequency in 324 cases from the International Skeletal Dysplasia Registry. Mol Genet Genomic Med. 2014; 2(6):497-503. PMID: 25614871.

Women's Health and Genetics/Laboratory Corporation of America, LabCorp
Classification: Pathogenic for Achondroplasia. Last evaluated: 2024-08-07. Review status: criteria provided, single submitter. Criteria: LabCorp Variant Classification Summary - May 2015. Collection method: clinical testing. Allele origin: germline.
Comment: Variant summary: FGFR3 c.1620C>G (p.Asn540Lys) results in a non-conservative amino acid change located in the Protein kinase domain (IPR000719) of the encoded protein sequence. Five of five in-silico tools predict a damaging effect of the variant on protein function. The variant was absent in 250610 control chromosomes (gnomAD). c.1620C>G has been reported in the literature in multiple individuals affected with Hypochondroplasia, in some cases as a de novo occurrence (e.g. Maddirevula_2018, Zhu_2022). These data indicate that the variant is very likely to be associated with disease. A different variant affecting the same codon has been classified as pathogenic by our lab (c.1619A>G, p.Asn540Ser), supporting the critical relevance of codon 540 to FGFR3 protein function. The following publications have been ascertained in the context of this evaluation (PMID: 29620724, 35726512). ClinVar contains an entry for this variant (Variation ID: 16338). Based on the evidence outlined above, the variant was classified as pathogenic.

Blueprint Genetics
Classification: Pathogenic for FGFR3-related disorders. Last evaluated: 2024-05-31. Review status: criteria provided, single submitter. Criteria: ACMG Guidelines, 2015. Collection method: clinical testing. Allele origin: germline. Affected: yes. Observed: 5 variant alleles.

GeneDx
Classification: Pathogenic. Last evaluated: 2022-08-17. Review status: criteria provided, single submitter. Criteria: GeneDx Variant Classification Process June 2021. Collection method: clinical testing. Allele origin: germline. Affected: yes.
Comment: Observed in multiple individuals with hypochondroplasia in the published literature (Prinos et al., 1995; Foldynova-Trantirkova et al., 2012); Published functional studies demonstrate this variant results in significantly reduced in vitro expression (Raffioni et al., 1998); Not observed in large population cohorts (gnomAD); This variant is associated with the following publications: (PMID: 8640234, 29681095, 10360392, 22045636, 23149434, 9857065, 23165795, 11754059, 19088846, 8589686, 28777845, 29478821, 29150894, 17621485, 29620724, 30355600, 26380986, 34567078, 33942288, 32712949, 33389251)

MGZ Medical Genetics Center
Classification: Pathogenic for Achondroplasia. Last evaluated: 2022-07-27. Review status: criteria provided, single submitter. Criteria: ACMG Guidelines, 2015. Collection method: clinical testing. Allele origin: germline. Affected: yes. Observed: 1 variant allele.
Comment: ACMG criteria applied: PS4_VSTR, PS3_SUP, PM2_SUP, PP3

Laboratorio de Genetica e Diagnostico Molecular, Hospital Israelita Albert Einstein
Classification: Pathogenic for Hypochondroplasia. Last evaluated: 2021-12-30. Review status: criteria provided, single submitter. Criteria: ACMG Guidelines, 2015. Collection method: clinical testing. Allele origin: germline. Affected: yes.
Comment: ACMG classification criteria: PS1 strong, PS3 supporting, PS4 strong, PM2 moderate

Kasturba Medical College, Manipal, Kasturba Medical College, Manipal, Manipal Academy of Higher Education, Manipal, India
Classification: Pathogenic for Larsen syndrome. Last evaluated: 2021-12-25. Review status: criteria provided, single submitter. Criteria: ACMG Guidelines,2016. Collection method: clinical testing. Allele origin: germline. Affected: yes.

Genome Diagnostics Laboratory, The Hospital for Sick Children
Classification: Pathogenic for Connective tissue disorder. Last evaluated: 2020-07-01. Review status: criteria provided, single submitter. Criteria: ACMG Guidelines, 2015. Collection method: clinical testing. Allele origin: germline.

Baylor Genetics
Classification: Pathogenic for Achondroplasia. Last evaluated: 2020-02-14. Review status: criteria provided, single submitter. Criteria: ACMG Guidelines, 2015. Collection method: clinical testing. Allele origin: de novo. Affected: yes.
Comment: This variant was determined to be pathogenic according to ACMG Guidelines, 2015 [PMID:25741868].

Fulgent Genetics
Classification: Pathogenic for Achondroplasia; Malignant tumor of urinary bladder; Colorectal cancer; Hypochondroplasia; LADD syndrome 1; Epidermal nevus; Thanatophoric dysplasia type 1; Thanatophoric dysplasia, type 2; Germ cell tumor of testis; Muenke syndrome; Cervical cancer; Camptodactyly-tall stature-scoliosis-hearing loss syndrome; Crouzon syndrome-acanthosis nigricans syndrome; Severe achondroplasia-developmental delay-acanthosis nigricans syndrome. Last evaluated: 2018-10-31. Review status: criteria provided, single submitter. Criteria: ACMG Guidelines, 2015. Collection method: clinical testing. Allele origin: unknown.

Clinical Genetics and Genomics, Karolinska University Hospital
Classification: Pathogenic. Last evaluated: 2018-05-31. Review status: criteria provided, single submitter. Criteria: ACMG Guidelines, 2015. Collection method: clinical testing. Allele origin: germline. Affected: yes. Observed: 1 variant allele.

Eurofins Ntd Llc (ga)
Classification: Pathogenic. Last evaluated: 2018-04-05. Review status: criteria provided, single submitter. Criteria: EGL ClinVar v180209 classification definitions. Collection method: clinical testing. Allele origin: germline. Observed: 4 variant alleles, 4 heterozygotes.

Ambry Genetics
Classification: Pathogenic for Inborn genetic diseases. Last evaluated: 2016-09-19. Review status: criteria provided, single submitter. Criteria: Ambry exome assertion method (8-5-2015). Collection method: clinical testing. Allele origin: germline. Affected: yes. Observed: 1 variant allele.

Centre for Mendelian Genomics, University Medical Centre Ljubljana
Classification: Pathogenic for Short stature. Last evaluated: 2015-06-23. Review status: criteria provided, single submitter. Criteria: ACMG Guidelines, 2015. Collection method: clinical testing. Allele origin: unknown. Affected: yes.

Programa de Pós-Graduação em Ciências Genômicas e Biotecnologia, Universidade Católica de Brasília
Classification: Pathogenic for Hypochondroplasia. Last evaluated: 2015-04-01. Review status: criteria provided, single submitter. Criteria: Submitter's publication. Collection method: research. Allele origin: germline. Affected: yes.